The following is an entry in ClinVar:

ClinVar aggregate classification (germline): Likely pathogenic. Review status: criteria provided, multiple submitters, no conflicts (2 of 4 stars). 3 submissions from 3 submitters: Likely pathogenic (2). 1 of the submissions does not count toward it. Last evaluated 2021-11-26.

Conditions:
X-linked Alport syndrome (ATS1). Also called: NEPHROPATHY AND DEAFNESS, X-LINKED; COL4A5-Related Nephropathy. Identifiers: Orphanet 63, Orphanet 88917, MedGen C4746986, MONDO:0010520, OMIM 301050.

Allele frequency attached by ClinVar (database versions not stated): gnomAD exomes below 0.00001.
gnomAD v4.1: 1 of 1,211,334 alleles (0.000083%); highest among the groups gnomAD compares: Non-Finnish European, 0.00011%; no homozygotes.

Submissions (3):

Labcorp Genetics (formerly Invitae), Labcorp
Classification: Likely pathogenic. Last evaluated: 2021-11-26. Review status: criteria provided, single submitter. Criteria: Invitae Variant Classification Sherloc (09022015). Collection method: clinical testing. Allele origin: germline.
Comment: In summary, the currently available evidence indicates that the variant is pathogenic, but additional data are needed to prove that conclusively. Therefore, this variant has been classified as Likely Pathogenic. This variant disrupts the p.Gly1486 amino acid residue in COL4A5. Other variant(s) that disrupt this residue have been determined to be pathogenic (Invitae). This suggests that this residue is clinically significant, and that variants that disrupt this residue are likely to be disease-causing. Advanced modeling of protein sequence and biophysical properties (such as structural, functional, and spatial information, amino acid conservation, physicochemical variation, residue mobility, and thermodynamic stability) performed at Invitae indicates that this missense variant is expected to disrupt COL4A5 protein function. ClinVar contains an entry for this variant (Variation ID: 444822). This missense change has been observed in individual(s) with clinical features of Alport syndrome (Invitae). This variant is not present in population databases (gnomAD no frequency). This sequence change replaces glycine, which is neutral and non-polar, with valine, which is neutral and non-polar, at codon 1486 of the COL4A5 protein (p.Gly1486Val).

CeGaT Center for Human Genetics Tuebingen
Classification: Likely pathogenic. Last evaluated: 2017-02-01. Review status: criteria provided, single submitter. Criteria: CeGaT Center For Human Genetics Tuebingen Variant Classification Criteria Version 2. Collection method: clinical testing. Allele origin: germline. Affected: yes. Observed: 1 variant allele.

Bioscientia Institut fuer Medizinische Diagnostik GmbH, Sonic Healthcare
Classification: Likely pathogenic for X-linked Alport syndrome. Last evaluated: 2019-08-07. Review status: no assertion criteria provided. Collection method: clinical testing. Allele origin: germline. Affected: yes. Not counted in ClinVar's aggregate classification.

NM_033380.3(COL4A5):c.4475G>T (p.Gly1492Val)

Gene: COL4A5 (collagen type IV alpha 5 chain; plus strand). Cytogenetic location: Xq22.3.
Variant type: single nucleotide variant.
Coding change: c.4475G>T on transcript NM_033380.3 (MANE Select); coding-DNA position 4475, G replaced by T.
Protein change: p.Gly1492Val; replaces glycine 1492 with valine.
Molecular consequence: missense variant.
Genome position (GRCh38, 1-based): chrX:108,687,641, G>T. VCF-style: chrX-108687641-G-T. GRCh37 (hg19) VCF-style: chrX-107930871-G-T.
Other names: c.4457G>T, p.Gly1486Val (NM_000495.5); short protein forms G1486V, G1492V.
Identifiers: ClinVar variation 444822 (VCV000444822.49), dbSNP rs104886282, ClinGen allele CA413854609.
Genomic context (GRCh38, chrX:108,687,641, plus strand): 5'-GCCACAGCCAGACAACGGATGCACCACAATGCCCACAGGGAACACTTCAGGTCTATGAAG[G>T]CTTTTCTCTCCTGTATGTACAAGGAAATAAAAGAGCCCACGGTCAAGACTTGGGTGAGAT-3'
Protein context (NP_203699.1, residues 1482-1502): CPQGTLQVYE[Gly1492Val]FSLLYVQGNK